The following is an entry in ClinVar:

NM_001035.3(RYR2):c.839T>C (p.Leu280Pro)

Gene: RYR2 (ryanodine receptor 2; plus strand). Cytogenetic location: 1q43.
Variant type: single nucleotide variant.
Coding change: c.839T>C on transcript NM_001035.3 (MANE Select); coding-DNA position 839, T replaced by C.
Protein change: p.Leu280Pro; replaces leucine 280 with proline.
Molecular consequence: missense variant.
Genome position (GRCh38, 1-based): chr1:237,417,114, T>C. VCF-style: chr1-237417114-T-C. GRCh37 (hg19) VCF-style: chr1-237580414-T-C.
Other names: p.L280P:CTA>CCA; c.839T>C, p.Leu280Pro (LRG_402t1); short protein forms L280P.
Identifiers: ClinVar variation 201204 (VCV000201204.5), dbSNP rs794728716, ClinGen allele CA010976.

ClinVar aggregate classification (germline): Uncertain significance. Review status: criteria provided, multiple submitters, no conflicts (2 of 4 stars). 2 submissions from 2 submitters: Uncertain significance (2). Last evaluated 2023-07-16.

Conditions:
Catecholaminergic polymorphic ventricular tachycardia 1. Also called: RYR2-Related Catecholaminergic Polymorphic Ventricular Tachycardia; VENTRICULAR TACHYCARDIA, CATECHOLAMINERGIC POLYMORPHIC, 1, WITH OR WITHOUT ATRIAL DYSFUNCTION AND/OR DILATED CARDIOMYOPATHY; VENTRICULAR TACHYCARDIA, STRESS-INDUCED POLYMORPHIC 1. Identifiers: Orphanet 3286, MedGen C1631597, MONDO:0011484, OMIM 604772.

Submissions (2):

Labcorp Genetics (formerly Invitae), Labcorp
Classification: Uncertain significance for Catecholaminergic polymorphic ventricular tachycardia 1. Last evaluated: 2023-07-16. Review status: criteria provided, single submitter. Criteria: Invitae Variant Classification Sherloc (09022015). Collection method: clinical testing. Allele origin: germline.
Comment: This variant is not present in population databases (gnomAD no frequency). In summary, the available evidence is currently insufficient to determine the role of this variant in disease. Therefore, it has been classified as a Variant of Uncertain Significance. Advanced modeling of protein sequence and biophysical properties (such as structural, functional, and spatial information, amino acid conservation, physicochemical variation, residue mobility, and thermodynamic stability) has been performed at Invitae for this missense variant, however the output from this modeling did not meet the statistical confidence thresholds required to predict the impact of this variant on RYR2 protein function. ClinVar contains an entry for this variant (Variation ID: 201204). This variant has not been reported in the literature in individuals affected with RYR2-related conditions. This sequence change replaces leucine, which is neutral and non-polar, with proline, which is neutral and non-polar, at codon 280 of the RYR2 protein (p.Leu280Pro).

GeneDx
Classification: Uncertain significance. Last evaluated: 2013-12-13. Review status: criteria provided, single submitter. Criteria: GeneDx Variant Classification (06012015). Collection method: clinical testing. Allele origin: germline. Affected: yes.
Comment: p.Leu280Pro (CTA>CCA): c.839 T>C in exon 11 of the RYR2 gene (NM_001035.2). The Leu280Pro variant in the RYR2 gene has not been reported as a disease-causing mutation or as a benign polymorphism to our knowledge. Leu280Pro results in a semi-conservative amino acid substitution of a non-polar Leucine with a non-polar, sterically constrained Proline at a position that is conserved across species. In silico analysis predicts Leu280Pro is probably damaging to the protein structure/function. Furthermore, the Leu280Pro variant was not observed in approximately 6000 individuals of European and African American ancestry in the NHLBI Exome Sequencing Project, indicating it is not a common benign variant in these populations. Leu280Pro is located in the N-terminal hotspot region of the RYR2 gene (Medeiros-Domingo A et al., 2009); however, no mutations in nearby residues have been reported in association with arrhythmia. With the clinical and molecular information available at this time, we cannot definitively determine if Leu280Pro is a disease-causing mutation or a rare benign variant. Arrhythmogenic right ventricular cardiomyopathy (ARVC) is primarily an autosomal dominant disease characterized by progressive fibrofatty replacement of the myocardium that predisposes to ventricular tachycardia and sudden death (McNally E et al., 2009; Nava A et al., 2000). ARVC is most frequently caused by mutations in the genes encoding desmosomal proteins, complexes that maintain cell-to--cell connections and provide mechanical attachments among adjacent cells. Less commonly, ARVC may be caused by mutations in genes that encode proteins that maintain calcium homeostasis (McNally E et al., 2009). At least 11% of patients with autosomal dominant arrhythmogenic right ventricular cardiomyopathy were reported to have a mutation in the PKP2 gene (McNally E et al., 2009). Approximately 50% of patients with autosomal dominant Catecholaminergic Polymorphic Ventricular Tachycardia (CPVT) have been reported to have a mutation in the RYR2 gene, while mutations in the RYR2 gene associated with ARVC are rare (McNally E et al., 2009; Napolitano C et al., 2012). The variant is found in ARVC panel(s).